The following is an entry in ClinVar:

ClinVar aggregate classification (germline): Uncertain significance. Review status: criteria provided, multiple submitters, no conflicts (2 of 4 stars). 2 submissions from 2 submitters: Uncertain significance (2). Last evaluated 2025-02-16.

Allele frequency attached by ClinVar (database versions not stated): gnomAD exomes 0.00045; TOPMed 0.00037; gnomAD 0.00038; ExAC 0.00064.
gnomAD v4.1: 667 of 1,503,082 alleles (0.044%); highest among the groups gnomAD compares: Non-Finnish European, 0.055%; no homozygotes.

Submissions (2):

Labcorp Genetics (formerly Invitae), Labcorp
Classification: Uncertain significance. Last evaluated: 2025-02-16. Review status: criteria provided, single submitter. Criteria: Invitae Variant Classification Sherloc (09022015). Collection method: clinical testing. Allele origin: germline.
Comment: This sequence change replaces serine, which is neutral and polar, with threonine, which is neutral and polar, at codon 243 of the LOR protein (p.Ser243Thr). This variant is present in population databases (rs749909701, gnomAD 0.05%), and has an allele count higher than expected for a pathogenic variant. This variant has not been reported in the literature in individuals affected with LOR-related conditions. ClinVar contains an entry for this variant (Variation ID: 2864435). Experimental studies and prediction algorithms are not available or were not evaluated, and the functional significance of this variant is currently unknown. In summary, the available evidence is currently insufficient to determine the role of this variant in disease. Therefore, it has been classified as a Variant of Uncertain Significance.

Ambry Genetics
Classification: Uncertain significance. Last evaluated: 2024-03-01. Review status: criteria provided, single submitter. Criteria: Ambry Variant Classification Scheme 2023. Collection method: clinical testing. Allele origin: germline.

NM_000427.3(LORICRIN):c.728G>C (p.Ser243Thr)

Gene: LORICRIN (loricrin cornified envelope precursor protein; plus strand). Cytogenetic location: 1q21.3.
Variant type: single nucleotide variant.
Coding change: c.728G>C on transcript NM_000427.3 (MANE Select); coding-DNA position 728, G replaced by C.
Protein change: p.Ser243Thr; replaces serine 243 with threonine.
Molecular consequence: missense variant.
Genome position (GRCh38, 1-based): chr1:153,261,677, G>C. VCF-style: chr1-153261677-G-C. GRCh37 (hg19) VCF-style: chr1-153234153-G-C.
Other names: c.728G>C (NM_000427.2); short protein forms S243T.
Identifiers: ClinVar variation 2864435 (VCV002864435.4), dbSNP rs749909701, ClinGen allele CA1114357.